The following is an entry in ClinVar:

NM_017636.4(TRPM4):c.1259G>A (p.Trp420Ter)

Gene: TRPM4 (transient receptor potential cation channel subfamily M member 4; plus strand). Cytogenetic location: 19q13.33.
Variant type: single nucleotide variant.
Coding change: c.1259G>A on transcript NM_017636.4 (MANE Select); coding-DNA position 1259, G replaced by A.
Protein change: p.Trp420Ter; replaces tryptophan 420 with a stop codon.
Molecular consequence: nonsense. On other transcripts: 5 prime UTR variant (1), intron variant (1).
Genome position (GRCh38, 1-based): chr19:49,181,457, G>A. VCF-style: chr19-49181457-G-A. GRCh37 (hg19) VCF-style: chr19-49684714-G-A.
Other names: c.1259G>A, p.Trp420Ter (NM_001195227.2); c.914G>A, p.Trp305Ter (NM_001321281.2); c.-295G>A (NM_001321282.2); c.737G>A, p.Trp246Ter (NM_001321283.2); c.202-1121G>A (NM_001321285.2); short protein forms W246*, W305*, W420*.
Identifiers: ClinVar variation 1949459 (VCV001949459.5), dbSNP rs746740271, ClinGen allele CA9569133.

ClinVar aggregate classification (germline): Uncertain significance (1 of 4 stars; one submission).

Conditions:
Progressive familial heart block type IB (PFHB1B). Identifiers: Orphanet 871, MedGen C1970298, MONDO:0011474, OMIM 604559.

Allele frequency attached by ClinVar (database versions not stated): gnomAD exomes below 0.00001; ExAC 0.00001.

Submission:

Labcorp Genetics (formerly Invitae), Labcorp
Classification: Uncertain significance for Progressive familial heart block type IB. Last evaluated: 2022-06-18. Review status: criteria provided, single submitter. Criteria: Invitae Variant Classification Sherloc (09022015). Collection method: clinical testing. Allele origin: germline.
Comment: This variant has not been reported in the literature in individuals affected with TRPM4-related conditions. In summary, the available evidence is currently insufficient to determine the role of this variant in disease. Therefore, it has been classified as a Variant of Uncertain Significance. This variant is present in population databases (rs746740271, gnomAD 0.006%). This sequence change creates a premature translational stop signal (p.Trp420*) in the TRPM4 gene. It is expected to result in an absent or disrupted protein product. However, the current clinical and genetic evidence is not sufficient to establish whether loss-of-function variants in TRPM4 cause disease.